The following is an entry in ClinVar:

ClinVar aggregate classification (germline): Uncertain significance. Review status: criteria provided, multiple submitters, no conflicts (2 of 4 stars). 4 submissions from 4 submitters: Uncertain significance (4). Last evaluated 2025-09-09.

Conditions:
Familial thoracic aortic aneurysm and aortic dissection (TAAD). Also called: Thoracic aortic aneurysms and dissections. Identifiers: Orphanet 91387, MedGen C4707243, MONDO:0019625.
Loeys-Dietz syndrome 2 (LDS2). Also called: AORTIC ANEURYSM, FAMILIAL THORACIC 3; MARFAN SYNDROME, TYPE II; TGFBR2-Related Loeys-Dietz Syndrome; Marfan Syndrome type 2; Marfan like connective tissue disorder; MFS 2. Identifiers: Orphanet 284973, Orphanet 558, MedGen C2674574, MONDO:0012427, OMIM 610168.

gnomAD v4.1: 11 of 1,599,712 alleles (0.00069%); highest among the groups gnomAD compares: Non-Finnish European, 0.00094%; no homozygotes.

Submissions (4):

Labcorp Genetics (formerly Invitae), Labcorp
Classification: Uncertain significance for Familial thoracic aortic aneurysm and aortic dissection. Last evaluated: 2025-09-09. Review status: criteria provided, single submitter. Criteria: Invitae Variant Classification Sherloc (09022015). Collection method: clinical testing. Allele origin: germline.
Comment: This sequence change replaces histidine, which is basic and polar, with glutamine, which is neutral and polar, at codon 13 of the TGFBR2 protein (p.His13Gln). The frequency data for this variant in the population databases is considered unreliable, as metrics indicate poor data quality at this position in the gnomAD database. This variant has not been reported in the literature in individuals affected with TGFBR2-related conditions. ClinVar contains an entry for this variant (Variation ID: 3325723). Invitae Evidence Modeling of protein sequence and biophysical properties (such as structural, functional, and spatial information, amino acid conservation, physicochemical variation, residue mobility, and thermodynamic stability) indicates that this missense variant is not expected to disrupt TGFBR2 protein function with a negative predictive value of 95%. In summary, the available evidence is currently insufficient to determine the role of this variant in disease. Therefore, it has been classified as a Variant of Uncertain Significance.

All of Us Research Program, National Institutes of Health
Classification: Uncertain significance for Loeys-Dietz syndrome 2. Last evaluated: 2024-09-23. Review status: criteria provided, single submitter. Criteria: ACMG Guidelines, 2015. Collection method: clinical testing. Allele origin: germline. Inheritance: Autosomal dominant inheritance. Observed: 2 variant alleles, 2 heterozygotes.
Comment: This missense variant replaces histidine with glutamine at codon 13 of the TGFBR2 protein. Computational prediction tools indicate that this variant has a neutral impact on protein structure and function. To our knowledge, functional studies have not been reported for this variant. This variant has not been reported in individuals affected with TGFBR2-related disorders in the literature. This variant has not been identified in the general population by the Genome Aggregation Database (gnomAD). The available evidence is insufficient to determine the role of this variant in disease conclusively. Therefore, this variant is classified as a Variant of Uncertain Significance.

This study involves interpretation of variants in research participants for the purpose of population health screening. Participant phenotype was not available at the time of variant classification. Additional details can be found in publication PMID: 35346344, PMCID: PMC8962531

Color Diagnostics, LLC DBA Color Health
Classification: Uncertain significance for Familial thoracic aortic aneurysm and aortic dissection. Last evaluated: 2024-07-31. Review status: criteria provided, single submitter. Criteria: ACMG Guidelines, 2015. Collection method: clinical testing. Allele origin: germline.
Comment: This missense variant replaces histidine with glutamine at codon 13 of the TGFBR2 protein. Computational prediction tools indicate that this variant has a neutral impact on protein structure and function. To our knowledge, functional studies have not been reported for this variant. This variant has not been reported in individuals affected with TGFBR2-related disorders in the literature. This variant has not been identified in the general population by the Genome Aggregation Database (gnomAD). The available evidence is insufficient to determine the role of this variant in disease conclusively. Therefore, this variant is classified as a Variant of Uncertain Significance.

Ambry Genetics
Classification: Uncertain significance for Familial thoracic aortic aneurysm and aortic dissection. Last evaluated: 2024-06-09. Review status: criteria provided, single submitter. Criteria: Ambry Variant Classification Scheme 2023. Collection method: clinical testing. Allele origin: germline.
Comment: The p.H13Q variant (also known as c.39C>A), located in coding exon 1 of the TGFBR2 gene, results from a C to A substitution at nucleotide position 39. The histidine at codon 13 is replaced by glutamine, an amino acid with highly similar properties. This amino acid position is conserved. In addition, this alteration is predicted to be tolerated by in silico analysis. Based on the available evidence, the clinical significance of this variant remains unclear.

NM_003242.6(TGFBR2):c.39C>A (p.His13Gln)

Gene: TGFBR2 (transforming growth factor beta receptor 2; plus strand). Cytogenetic location: 3p24.1.
Variant type: single nucleotide variant.
Coding change: c.39C>A on transcript NM_003242.6 (MANE Select); coding-DNA position 39, C replaced by A.
Protein change: p.His13Gln; replaces histidine 13 with glutamine.
Molecular consequence: missense variant. On other transcripts: 5 prime UTR variant (4), intron variant (2).
Genome position (GRCh38, 1-based): chr3:30,606,922, C>A. VCF-style: chr3-30606922-C-A. GRCh37 (hg19) VCF-style: chr3-30648414-C-A.
Other names: c.39C>A, p.His13Gln (NM_001024847.3, NM_001407126.1, NM_001407127.1 and 4 more transcripts); c.-245C>A (NM_001407133.1); c.-123C>A (NM_001407134.1); c.-170C>A (NM_001407135.1); c.-255C>A (NM_001407136.1); c.-12+329C>A (NM_001407129.1, NM_001407132.1); short protein forms H13Q.
Identifiers: ClinVar variation 3325723 (VCV003325723.4).